The following is an entry in ClinVar:

ClinVar aggregate classification (germline): Uncertain significance (1 of 4 stars; one submission).

Conditions:
Hereditary cancer-predisposing syndrome. Also called: Neoplastic Syndromes, Hereditary; Tumor predisposition; Hereditary neoplastic syndrome; Hereditary Cancer Syndrome. Identifiers: Orphanet 140162, MedGen C0027672, MeSH D009386, MONDO:0015356.

Submission:

Ambry Genetics
Classification: Uncertain significance for Hereditary cancer-predisposing syndrome. Last evaluated: 2026-08-21. Review status: criteria provided, single submitter. Criteria: Ambry Variant Classification Scheme 2023. Collection method: clinical testing. Allele origin: germline.
Comment: The p.A458D variant (also known as c.1373C>A), located in coding exon 9 of the FH gene, results from a C to A substitution at nucleotide position 1373. The alanine at codon 458 is replaced by aspartic acid, an amino acid with dissimilar properties. This amino acid position is conserved. In addition, this alteration is predicted to be deleterious by in silico analysis. Based on the available evidence, the clinical significance of this variant remains unclear.

NM_000143.4(FH):c.1373C>A (p.Ala458Asp)

Gene: FH (fumarate hydratase; minus strand). Cytogenetic location: 1q43.
Variant type: single nucleotide variant.
Coding change: c.1373C>A on transcript NM_000143.4 (MANE Select); coding-DNA position 1373, C replaced by A.
Protein change: p.Ala458Asp; replaces alanine 458 with aspartic acid.
Molecular consequence: missense variant.
Genome position (GRCh38, 1-based): chr1:241,500,454, G>T on the plus strand (C>A on the coding strand, the complement: FH is on the minus strand). VCF-style: chr1-241500454-G-T. GRCh37 (hg19) VCF-style: chr1-241663754-G-T.
Other names: short protein forms A458D.
Identifiers: ClinVar variation 5021780 (VCV005021780.1).